The following is an entry in ClinVar:

ClinVar aggregate classification (germline): Uncertain significance. Review status: criteria provided, multiple submitters, no conflicts (2 of 4 stars). 4 submissions from 4 submitters: Uncertain significance (4). Last evaluated 2024-08-21.

Conditions:
TP63-related disorder. Also called: TP63-related condition; TP63-Related Disorders. Identifiers: MedGen CN380159.
TP63-Related Spectrum Disorders.
Ankyloblepharon-ectodermal defects-cleft lip/palate syndrome. Also called: Hay-Wells syndrome of ectodermal dysplasia; AEC SYNDROME; HAY-WELLS SYNDROME; Ankyloblepharon-Ectodermal Defects-Cleft Lip/Palate Syndrome (AEC Syndrome); Ankyloblepharon-ectodermal defects, cleft lip/palate. Identifiers: Orphanet 1071, MedGen C0406709, MONDO:0007124, OMIM 106260.
Ectrodactyly, ectodermal dysplasia, and cleft lip-palate syndrome 3. Also called: Ectrodactyly, Ectodermal Dysplasia, Clefting Syndrome; EEC SYNDROME 3; Ectrodactyly, Ectodermal Dysplasia, Clefting Syndrome Type 3 (EEC3); Ectrodactyly, Ectodermal Dysplasia, Cleft Lip/Palate Syndrome 3 (EEC3). Identifiers: Orphanet 1896, MedGen C1858562, MONDO:0011428, OMIM 604292.
ADULT syndrome. Also called: ACRO-DERMATO-UNGUAL-LACRIMAL-TOOTH SYNDROME; Acro-Dermo-Ungual-Lacrimal-Tooth Syndrome (ADULT Syndrome); Acro-dermato-ungual-lacrimal-tooth (adult) syndrome. Identifiers: Orphanet 978, MedGen C1863204, MONDO:0007072, OMIM 103285.
Split hand-foot malformation 4. Also called: Split-Hand/Foot Malformation Type 4 (SHFM4 syndrome); Split-Hand/Foot Malformation Type 4 (SHFM4). Identifiers: Orphanet 2440, MedGen C1854442, MONDO:0011535, OMIM 605289.
Rapp-Hodgkin syndrome (RHS). Also called: ECTODERMAL DYSPLASIA, ANHIDROTIC, WITH CLEFT LIP/PALATE; Isolated Cleft Lip/Cleft Palate (Orofacial Cleft 8); Rapp-Hodgkin ectodermal dysplasia syndrome. Identifiers: MedGen C1785148, MONDO:0007508, OMIM 129400.
Orofacial cleft 8. Also called: Cleft lip with or without cleft palate, nonsyndromic, 8. Identifiers: MedGen C1851878, MONDO:0029145, OMIM 618149.
Limb-mammary syndrome (LMS). Also called: Mammary hypoplasia, ectrodactyly, and other hand/foot anomalies. Identifiers: Orphanet 69085, MedGen C1863753, MONDO:0011334, OMIM 603543.
Premature ovarian failure 21 (POF21). Identifiers: MedGen C5830399, MONDO:0957216, OMIM 620311.

Allele frequency attached by ClinVar (database versions not stated): gnomAD exomes below 0.00001.
gnomAD v4.1: 1 of 1,614,030 alleles (0.000062%); highest among the groups gnomAD compares: Non-Finnish European, 0.000085%; no homozygotes.

Submissions (4):

GeneDx
Classification: Uncertain significance. Last evaluated: 2024-08-21. Review status: criteria provided, single submitter. Criteria: GeneDx Variant Classification Process June 2021. Collection method: clinical testing. Allele origin: germline. Affected: yes.
Comment: Not observed at significant frequency in large population cohorts (gnomAD); In silico analysis indicates that this missense variant does not alter protein structure/function; Has not been previously published as pathogenic or benign to our knowledge; This variant is associated with the following publications: (PMID: 12037717)

Labcorp Genetics (formerly Invitae), Labcorp
Classification: Uncertain significance. Last evaluated: 2024-07-09. Review status: criteria provided, single submitter. Criteria: Invitae Variant Classification Sherloc (09022015). Collection method: clinical testing. Allele origin: germline.
Comment: This sequence change replaces serine, which is neutral and polar, with phenylalanine, which is neutral and non-polar, at codon 41 of the TP63 protein (p.Ser41Phe). This variant is not present in population databases (gnomAD no frequency). This variant has not been reported in the literature in individuals affected with TP63-related conditions. ClinVar contains an entry for this variant (Variation ID: 2632741). Advanced modeling of protein sequence and biophysical properties (such as structural, functional, and spatial information, amino acid conservation, physicochemical variation, residue mobility, and thermodynamic stability) has been performed at Invitae for this missense variant, however the output from this modeling did not meet the statistical confidence thresholds required to predict the impact of this variant on TP63 protein function. In summary, the available evidence is currently insufficient to determine the role of this variant in disease. Therefore, it has been classified as a Variant of Uncertain Significance.

Fulgent Genetics
Classification: Uncertain significance for ADULT syndrome; Ankyloblepharon-ectodermal defects-cleft lip/palate syndrome; Rapp-Hodgkin syndrome; Limb-mammary syndrome; Ectrodactyly, ectodermal dysplasia, and cleft lip-palate syndrome 3; Split hand-foot malformation 4; Orofacial cleft 8; Premature ovarian failure 21. Last evaluated: 2024-03-11. Review status: criteria provided, single submitter. Criteria: ACMG Guidelines, 2015. Collection method: clinical testing. Allele origin: germline.

PreventionGenetics, part of Exact Sciences
Classification: Uncertain significance for TP63-related condition. Last evaluated: 2023-05-12. Review status: criteria provided, single submitter. Criteria: ACMG Guidelines, 2015. Collection method: clinical testing. Allele origin: germline.
Comment: The TP63 c.122C>T variant is predicted to result in the amino acid substitution p.Ser41Phe. To our knowledge, this variant has not been reported in the literature or in a large population database, indicating this variant is rare. At this time, the clinical significance of this variant is uncertain due to the absence of conclusive functional and genetic evidence.

NM_003722.5(TP63):c.122C>T (p.Ser41Phe)

Gene: TP63 (tumor protein p63; plus strand). Cytogenetic location: 3q28.
Variant type: single nucleotide variant.
Coding change: c.122C>T on transcript NM_003722.5 (MANE Select); coding-DNA position 122, C replaced by T.
Protein change: p.Ser41Phe; replaces serine 41 with phenylalanine.
Molecular consequence: missense variant.
Genome position (GRCh38, 1-based): chr3:189,737,799, C>T. VCF-style: chr3-189737799-C-T. GRCh37 (hg19) VCF-style: chr3-189455588-C-T.
Other names: c.122C>T, p.Ser41Phe (NM_001114978.2, NM_001114979.2, NM_001329144.2 and 1 more transcripts); c.116C>T, p.Ser39Phe (NM_001329964.2); short protein forms S39F, S41F.
Identifiers: ClinVar variation 2632741 (VCV002632741.4), dbSNP rs1042354976, ClinGen allele CA90183415.
Genomic context (GRCh38, chr3:189,737,799, plus strand): 5'-GTTTCGTAGAAACCCCAGCTCATTTCTCTTGGAAAGAAAGTTATTACCGATCCACCATGT[C>T]CCAGAGCACACAGACAAATGAATTCCTCAGTCCAGAGGTTTTCCAGCATATCTGGGATTT-3'
Protein context (NP_003713.3, residues 31-51): WKESYYRSTM[Ser41Phe]QSTQTNEFLS